The following is an entry in ClinVar:

NM_003047.5(SLC9A1):c.1407G>A (p.Leu469=)

Genes: SLC9A1 (solute carrier family 9 member A1; minus strand), LOC126805673 (MED14-independent group 3 enhancer GRCh37_chr1:27431568-27432767; plus strand). Cytogenetic location: 1p36.11.
Variant type: single nucleotide variant.
Coding change: c.1407G>A on transcript NM_003047.5 (MANE Select); coding-DNA position 1407, G replaced by A.
Protein change: p.Leu469=; no amino-acid change (leucine 469 retained).
Molecular consequence: synonymous variant. On other transcripts: non-coding transcript variant (1).
Genome position (GRCh38, 1-based): chr1:27,105,963, C>T on the plus strand (G>A on the coding strand, the complement: SLC9A1 is on the minus strand). VCF-style: chr1-27105963-C-T. GRCh37 (hg19) VCF-style: chr1-27432454-C-T.
Other names: c.1407G>A (NM_003047.4).
Identifiers: ClinVar variation 2166502 (VCV002166502.33), dbSNP rs199663689, ClinGen allele CA711116.

ClinVar aggregate classification (germline): Likely benign. Review status: criteria provided, multiple submitters, no conflicts (2 of 4 stars). 4 submissions from 4 submitters: Likely benign (4). Last evaluated 2026-05-20.

Conditions:
SLC9A1-related disorder. Also called: SLC9A1-related condition.

Allele frequency attached by ClinVar (database versions not stated): gnomAD exomes 0.00003; ExAC 0.00008; gnomAD 0.00009; TOPMed 0.00009.
gnomAD v4.1: 65 of 1,613,694 alleles (0.004%); highest among the groups gnomAD compares: Middle Eastern, 0.049%; no homozygotes.

Submissions (4):

PreventionGenetics, part of Exact Sciences
Classification: Likely benign for SLC9A1-related condition. Last evaluated: 2026-05-20. Review status: criteria provided, single submitter. Criteria: ACMG Guidelines, 2015. Collection method: clinical testing. Allele origin: germline.
Comment: This variant is classified as likely benign based on ACMG/AMP sequence variant interpretation guidelines (Richards et al. 2015 PMID: 25741868, with internal and published modifications).

Labcorp Genetics (formerly Invitae), Labcorp
Classification: Likely benign. Last evaluated: 2025-09-02. Review status: criteria provided, single submitter. Criteria: Invitae Variant Classification Sherloc (09022015). Collection method: clinical testing. Allele origin: germline.

CeGaT Center for Human Genetics Tuebingen
Classification: Likely benign. Last evaluated: 2023-05-01. Review status: criteria provided, single submitter. Criteria: CeGaT Center For Human Genetics Tuebingen Variant Classification Criteria Version 2. Collection method: clinical testing. Allele origin: germline. Affected: yes. Observed: 1 variant allele.
Comment: SLC9A1: BP4, BP7

Breakthrough Genomics
Classification: Likely benign. Review status: criteria provided, single submitter. Criteria: ACMG Guidelines, 2015. Collection method: not provided. Allele origin: germline. Inheritance: Autosomal recessive inheritance. Affected: yes.